The following is an entry in ClinVar:

NM_000548.5(TSC2):c.3363C>G (p.Ser1121=)

Gene: TSC2 (TSC complex subunit 2; plus strand). Cytogenetic location: 16p13.3.
Variant type: single nucleotide variant.
Coding change: c.3363C>G on transcript NM_000548.5 (MANE Select); coding-DNA position 3363, C replaced by G.
Protein change: p.Ser1121=; no amino-acid change (serine 1121 retained).
Molecular consequence: synonymous variant.
Genome position (GRCh38, 1-based): chr16:2,079,635, C>G. VCF-style: chr16-2079635-C-G. GRCh37 (hg19) VCF-style: chr16-2129636-C-G.
Other names: c.3231C>G, p.Ser1077= (NM_001077183.3, NM_001370404.1); c.3363C>G, p.Ser1121= (NM_001114382.3); c.3123C>G, p.Ser1041= (NM_001318827.2); c.3087C>G, p.Ser1029= (NM_001318829.2); c.2631C>G, p.Ser877= (NM_001318831.2); c.3264C>G, p.Ser1088= (NM_001318832.2); c.3234C>G, p.Ser1078= (NM_001363528.2, NM_001370405.1, NM_021055.3).
Identifiers: ClinVar variation 468006 (VCV000468006.14), dbSNP rs1555510946, ClinGen allele CA492955301.

ClinVar aggregate classification (germline): Benign/Likely benign. Review status: criteria provided, multiple submitters, no conflicts (2 of 4 stars). 3 submissions from 3 submitters: Benign (1); Likely benign (2). Last evaluated 2025-05-29.

Conditions:
Hereditary cancer-predisposing syndrome. Also called: Hereditary neoplastic syndrome; Neoplastic Syndromes, Hereditary; Tumor predisposition; Hereditary Cancer Syndrome. Identifiers: Orphanet 140162, MedGen C0027672, MeSH D009386, MONDO:0015356.
Tuberous sclerosis 2 (TSC2). Identifiers: Orphanet 805, MedGen C1860707, MONDO:0013199, OMIM 613254.

Submissions (3):

Myriad Genetics, Inc.
Classification: Benign for Tuberous sclerosis 2. Last evaluated: 2025-05-29. Review status: criteria provided, single submitter. Criteria: Myriad Autosomal Dominant, Autosomal Recessive and X-Linked Classification Criteria (2023). Collection method: clinical testing. Allele origin: unknown.
Comment: This variant is considered benign. This variant is a silent/synonymous amino acid change and it is not expected to impact splicing.

Labcorp Genetics (formerly Invitae), Labcorp
Classification: Likely benign for Tuberous sclerosis 2. Last evaluated: 2023-04-15. Review status: criteria provided, single submitter. Criteria: Invitae Variant Classification Sherloc (09022015). Collection method: clinical testing. Allele origin: germline.

Ambry Genetics
Classification: Likely benign for Hereditary cancer-predisposing syndrome. Last evaluated: 2020-07-08. Review status: criteria provided, single submitter. Criteria: Ambry Variant Classification Scheme 2023. Collection method: clinical testing. Allele origin: germline.